The following is an entry in ClinVar:

ClinVar aggregate classification (germline): Uncertain significance (1 of 4 stars; one submission).

Conditions:
Hereditary pancreatitis (PCTT). Also called: Hereditary chronic pancreatitis; PRSS1-Related Hereditary Pancreatitis. Identifiers: Orphanet 676, MedGen C0238339, MONDO:0008185, OMIM 167800.

Submission:

Labcorp Genetics (formerly Invitae), Labcorp
Classification: Uncertain significance for Hereditary pancreatitis. Last evaluated: 2025-08-12. Review status: criteria provided, single submitter. Criteria: Invitae Variant Classification Sherloc (09022015). Collection method: clinical testing. Allele origin: germline.
Comment: This sequence change replaces alanine, which is neutral and non-polar, with serine, which is neutral and polar, at codon 121 of the PRSS1 protein (p.Ala121Ser). Information on the frequency of this variant in the gnomAD database is not available, as this variant may be reported differently in the database. This variant has not been reported in the literature in individuals affected with PRSS1-related conditions. Experimental studies and prediction algorithms are not available or were not evaluated, and the functional significance of this variant is currently unknown. In summary, the available evidence is currently insufficient to determine the role of this variant in disease. Therefore, it has been classified as a Variant of Uncertain Significance.

NM_002769.5(PRSS1):c.360_361delinsTT (p.Ala121Ser)

Genes: PRSS1 (serine protease 1; plus strand), TRB (T cell receptor beta locus; plus strand). Cytogenetic location: 7q34.
Variant type: Indel.
Coding change: c.360_361delinsTT on transcript NM_002769.5 (MANE Select); coding-DNA positions 360 to 361, CG replaced by TT.
Protein change: p.Ala121Ser; replaces alanine 121 with serine.
Molecular consequence: missense variant. On other transcripts: non-coding transcript variant (5).
Genome position (GRCh38, 1-based): chr7:142,751,933-142,751,934, CG replaced by TT. VCF-style: chr7-142751933-CG-TT. GRCh37 (hg19) VCF-style: chr7-142459784-CG-TT.
Other names: short protein forms A121S.
Identifiers: ClinVar variation 4810065 (VCV004810065.1).